The following is an entry in ClinVar:

NM_001377265.1(MAPT):c.80G>A (p.Gly27Glu)

Gene: MAPT (microtubule associated protein tau). Cytogenetic location: 17q21.31.
Variant type: single nucleotide variant.
Coding change: c.80G>A on transcript NM_001377265.1 (MANE Select); coding-DNA position 80, G replaced by A.
Protein change: p.Gly27Glu; replaces glycine 27 with glutamic acid.
Molecular consequence: missense variant. On other transcripts: non-coding transcript variant (1).
Genome position (GRCh38, 1-based): chr17:45,962,417, G>A. VCF-style: chr17-45962417-G-A. GRCh37 (hg19) VCF-style: chr17-44039783-G-A.
Other names: c.80G>A (NM_005910.5); c.80G>A, p.Gly27Glu (NM_001123066.4, NM_001123067.4, NM_001203251.2 and 8 more transcripts); short protein forms G27E.
Identifiers: ClinVar variation 1424259 (VCV001424259.8), dbSNP rs769331823, ClinGen allele CA8617510.

ClinVar aggregate classification (germline): Conflicting classifications of pathogenicity. Review status: criteria provided, conflicting classifications (1 of 4 stars). 3 submissions from 3 submitters: Uncertain significance (2); Likely benign (1). Last evaluated 2026-05-07.

Conditions:
Inborn genetic diseases. Identifiers: MedGen C0950123, MeSH D030342.
Frontotemporal dementia (FTD1). Also called: Frontotemporal Dementia with Parkinsonism-17 (FTDP-17); FRONTOTEMPORAL DEMENTIA WITH PARKINSONISM; FRONTOTEMPORAL LOBE DEMENTIA; MULTIPLE SYSTEM TAUOPATHY WITH PRESENILE DEMENTIA; WILHELMSEN-LYNCH DISEASE; Frontotemporal lobe dementia (FLDEM). Identifiers: Orphanet 282, MedGen C0338451, MONDO:0017276, OMIM 600274, HP:0002145.

Allele frequency attached by ClinVar (database versions not stated): gnomAD 0.00006; gnomAD exomes 0.00014 and 0.00003; TOPMed 0.00008; ExAC 0.00008.

Submissions (3):

Women's Health and Genetics/Laboratory Corporation of America, LabCorp
Classification: Uncertain significance. Last evaluated: 2026-05-07. Review status: criteria provided, single submitter. Criteria: LabCorp Variant Classification Summary - May 2015. Collection method: clinical testing. Allele origin: germline.
Comment: Variant summary: MAPT c.80G>A (p.Gly27Glu) results in a non-conservative amino acid change in the encoded protein sequence. Algorithms developed to predict the effect of missense changes on protein structure and function are either unavailable or do not agree on the potential impact of this missense change. The variant allele was found at a frequency of 0.00014 in 250972 control chromosomes. This frequency is not significantly higher than estimated for disease-causing variants in MAPT, allowing no conclusion about variant significance. To our knowledge, no occurrence of c.80G>A in individuals affected with MAPT-related conditions and no experimental evidence demonstrating its impact on protein function have been reported. ClinVar contains an entry for this variant (Variation ID: 1424259). Based on the evidence outlined above, the variant was classified as uncertain significance.

Labcorp Genetics (formerly Invitae), Labcorp
Classification: Uncertain significance for Frontotemporal dementia. Last evaluated: 2025-06-20. Review status: criteria provided, single submitter. Criteria: Invitae Variant Classification Sherloc (09022015). Collection method: clinical testing. Allele origin: germline.
Comment: This sequence change replaces glycine, which is neutral and non-polar, with glutamic acid, which is acidic and polar, at codon 27 of the MAPT protein (p.Gly27Glu). This variant is present in population databases (rs769331823, gnomAD 0.1%), and has an allele count higher than expected for a pathogenic variant. This variant has not been reported in the literature in individuals affected with MAPT-related conditions. ClinVar contains an entry for this variant (Variation ID: 1424259). An algorithm developed to predict the effect of missense changes on protein structure and function outputs the following: PolyPhen-2: "Benign". The glutamic acid amino acid residue is found in multiple mammalian species, which suggests that this missense change does not adversely affect protein function. In summary, the available evidence is currently insufficient to determine the role of this variant in disease. Therefore, it has been classified as a Variant of Uncertain Significance.

Ambry Genetics
Classification: Likely benign for Inborn genetic diseases. Last evaluated: 2021-07-26. Review status: criteria provided, single submitter. Criteria: Ambry Variant Classification Scheme 2023. Collection method: clinical testing. Allele origin: germline.